The following is an entry in ClinVar:

NM_003630.3(PEX3):c.183C>A (p.Asn61Lys)

Gene: PEX3 (peroxisomal biogenesis factor 3; plus strand). Cytogenetic location: 6q24.2.
Variant type: single nucleotide variant.
Coding change: c.183C>A on transcript NM_003630.3 (MANE Select); coding-DNA position 183, C replaced by A.
Protein change: p.Asn61Lys; replaces asparagine 61 with lysine.
Molecular consequence: missense variant.
Genome position (GRCh38, 1-based): chr6:143,459,194, C>A. VCF-style: chr6-143459194-C-A. GRCh37 (hg19) VCF-style: chr6-143780331-C-A.
Other names: short protein forms N61K.
Identifiers: ClinVar variation 598131 (VCV000598131.12), dbSNP rs762601927, ClinGen allele CA365905446.

ClinVar aggregate classification (germline): Uncertain significance. Review status: criteria provided, multiple submitters, no conflicts (2 of 4 stars). 2 submissions from 2 submitters: Uncertain significance (2). Last evaluated 2022-01-14.

Allele frequency attached by ClinVar (database versions not stated): TOPMed 0.00001.
gnomAD v4.1: 2 of 1,612,070 alleles (0.00012%); highest among the groups gnomAD compares: African/African-American, 0.0013%; no homozygotes.

Submissions (2):

Labcorp Genetics (formerly Invitae), Labcorp
Classification: Uncertain significance. Last evaluated: 2022-01-14. Review status: criteria provided, single submitter. Criteria: Invitae Variant Classification Sherloc (09022015). Collection method: clinical testing. Allele origin: germline.
Comment: ClinVar contains an entry for this variant (Variation ID: 598131). This variant has not been reported in the literature in individuals affected with PEX3-related conditions. This variant is not present in population databases (gnomAD no frequency). This sequence change replaces asparagine, which is neutral and polar, with lysine, which is basic and polar, at codon 61 of the PEX3 protein (p.Asn61Lys). In summary, the available evidence is currently insufficient to determine the role of this variant in disease. Therefore, it has been classified as a Variant of Uncertain Significance. Algorithms developed to predict the effect of missense changes on protein structure and function are either unavailable or do not agree on the potential impact of this missense change (SIFT: "Tolerated"; PolyPhen-2: "Probably Damaging"; Align-GVGD: "Class C15").

Eurofins Ntd Llc (ga)
Classification: Uncertain significance. Last evaluated: 2018-07-24. Review status: criteria provided, single submitter. Criteria: EGL ClinVar v180209 classification definitions. Collection method: clinical testing. Allele origin: germline. Observed: 1 variant allele, 1 heterozygote.